The following is an entry in ClinVar:

Conditions:
Breast-ovarian cancer, familial, susceptibility to, 1 (BROVCA1). Also called: BRCA1 Hereditary Breast and Ovarian Cancer; OVARIAN CANCER, SUSCEPTIBILITY TO. Identifiers: Orphanet 145, MedGen C2676676, MONDO:0011450, OMIM 604370. Disease mechanism: loss of function.

Submission:

Brotman Baty Institute, University of Washington
No classification provided (evidence only). Condition: Breast-ovarian cancer, familial 1. Review status: no classification provided. Collection method: in vitro. Allele origin: not applicable. Functional consequence: function_uncertain_variant.
ClinVar note: "not provided" was previously submitted as the classification for the variant. However, the classification appeared to be based only on an observation of functional data so it was converted to no classification on 2025-07-30.

NM_007294.4(BRCA1):c.283C>G (p.Leu95Val)

Gene: BRCA1 (BRCA1 DNA repair associated; minus strand). Cytogenetic location: 17q21.31.
Variant type: single nucleotide variant.
Coding change: c.283C>G on transcript NM_007294.4 (MANE Select); coding-DNA position 283, C replaced by G.
Protein change: p.Leu95Val; replaces leucine 95 with valine.
Molecular consequence: missense variant. On other transcripts: non-coding transcript variant (1).
Genome position (GRCh38, 1-based): chr17:43,104,886, G>C on the plus strand (C>G on the coding strand, the complement: BRCA1 is on the minus strand). VCF-style: chr17-43104886-G-C. GRCh37 (hg19) VCF-style: chr17-41256903-G-C.
Other names: c.73C>G, p.Leu25Val (NM_001407571.1, NM_001407853.1, NM_001407879.1 and 58 more transcripts); c.283C>G, p.Leu95Val (NM_001407581.1, NM_001407582.1, NM_001407583.1 and 168 more transcripts); c.205C>G, p.Leu69Val (NM_001407653.1, NM_001407654.1, NM_001407655.1 and 21 more transcripts); c.142C>G, p.Leu48Val (NM_001407692.1, NM_001407694.1, NM_001407695.1 and 99 more transcripts); c.-99C>G (NM_001407959.1, NM_001407960.1, NM_001407962.1 and 4 more transcripts); c.151C>G, p.Leu51Val (NM_001408451.1); short protein forms L95V, L48V, L25V, L69V, L51V.
Identifiers: ClinVar variation 868347 (VCV000868347.3), dbSNP rs2054675297, ClinGen allele CA10601587.